The following is an entry in ClinVar:

ClinVar aggregate classification (germline): Uncertain significance. Review status: criteria provided, multiple submitters, no conflicts (2 of 4 stars). 2 submissions from 2 submitters: Uncertain significance (2). Last evaluated 2023-09-18.

Conditions:
Arrhythmogenic cardiomyopathy with wooly hair and keratoderma. Also called: PALMOPLANTAR KERATODERMA WITH LEFT VENTRICULAR CARDIOMYOPATHY AND WOOLLY HAIR; Carvajal syndrome; Dilated cardiomyopathy with woolly hair and keratoderma; Arrhythmogenic cardiomyopathy with woolly hair and keratoderma. Identifiers: Orphanet 65282, MedGen C1854063, MONDO:0011581, OMIM 605676.
Arrhythmogenic right ventricular dysplasia 8 (ARVD8). Also called: Arrhythmogenic Right Ventricular Dysplasia/Cardiomyopathy 8; ARRHYTHMOGENIC RIGHT VENTRICULAR DYSPLASIA, FAMILIAL, 8; ARRHYTHMOGENIC RIGHT VENTRICULAR CARDIOMYOPATHY 8. Identifiers: MedGen C1843896, MONDO:0011831, OMIM 607450.
Cardiovascular phenotype. Identifiers: MedGen CN230736.

Submissions (2):

Labcorp Genetics (formerly Invitae), Labcorp
Classification: Uncertain significance for Arrhythmogenic cardiomyopathy with wooly hair and keratoderma; Arrhythmogenic right ventricular dysplasia 8. Last evaluated: 2023-09-18. Review status: criteria provided, single submitter. Criteria: Invitae Variant Classification Sherloc (09022015). Collection method: clinical testing. Allele origin: germline.
Comment: In summary, the available evidence is currently insufficient to determine the role of this variant in disease. Therefore, it has been classified as a Variant of Uncertain Significance. This variant, c.3499_3501del, results in the deletion of 1 amino acid(s) of the DSP protein (p.Lys1167del), but otherwise preserves the integrity of the reading frame. This variant is not present in population databases (gnomAD no frequency). This variant has not been reported in the literature in individuals affected with DSP-related conditions. ClinVar contains an entry for this variant (Variation ID: 534287). Experimental studies and prediction algorithms are not available or were not evaluated, and the functional significance of this variant is currently unknown.

Ambry Genetics
Classification: Uncertain significance for Cardiovascular phenotype. Last evaluated: 2020-10-21. Review status: criteria provided, single submitter. Criteria: Ambry Variant Classification Scheme 2023. Collection method: clinical testing. Allele origin: germline.
Comment: The c.3499_3501delAAG variant (also known as p.K1167del) is located in coding exon 23 of the DSP gene. This variant results from an in-frame AAG deletion at nucleotide positions 3499 to 3501. This results in the in-frame deletion of a lysine at codon 1167. This amino acid position is highly conserved in available vertebrate species. In addition, this alteration is predicted to be deleterious by in silico analysis (Choi Y et al. PLoS ONE. 2012; 7(10):e46688). Since supporting evidence is limited at this time, the clinical significance of this alteration remains unclear.

NM_004415.4(DSP):c.3499_3501del (p.Lys1167del)

Gene: DSP (desmoplakin; plus strand). Cytogenetic location: 6p24.3.
Variant type: Deletion.
Coding change: c.3499_3501del on transcript NM_004415.4 (MANE Select); coding-DNA positions 3499 to 3501, 3 bases deleted (AAG; older notation c.3499_3501delAAG).
Protein change: p.Lys1167del; deletes lysine 1167.
Molecular consequence: inframe deletion.
Genome position (GRCh38, 1-based): chr6:7,579,689-7,579,691, AAG deleted; deleting any 3 consecutive bases within chr6:7,579,687-7,579,691 gives the same sequence; the c. name uses the placement nearest the transcript's 3' end. VCF-style (leftmost placement, unchanged base first): chr6-7579686-GAGA-G. GRCh37 (hg19) VCF-style: chr6-7579919-GAGA-G.
Other names: c.3499_3501del (LRG_423t1); c.3499_3501del, p.Lys1167del (NM_001008844.3, NM_001319034.2); short protein forms K1167del.
Identifiers: ClinVar variation 534287 (VCV000534287.11), dbSNP rs1554108091, ClinGen allele CA658796711.